The following is an entry in ClinVar:

ClinVar aggregate classification (germline): Uncertain significance (1 of 4 stars; one submission).

Conditions:
Hereditary cancer-predisposing syndrome. Also called: Tumor predisposition; Hereditary Cancer Syndrome; Neoplastic Syndromes, Hereditary; Hereditary neoplastic syndrome. Identifiers: Orphanet 140162, MedGen C0027672, MeSH D009386, MONDO:0015356.

Submission:

Ambry Genetics
Classification: Uncertain significance for Hereditary cancer-predisposing syndrome. Last evaluated: 2020-08-18. Review status: criteria provided, single submitter. Criteria: Ambry Variant Classification Scheme 2023. Collection method: clinical testing. Allele origin: germline.
Comment: The p.P961L variant (also known as c.2882C>T), located in coding exon 17 of the DICER1 gene, results from a C to T substitution at nucleotide position 2882. The proline at codon 961 is replaced by leucine, an amino acid with similar properties. This amino acid position is highly conserved in available vertebrate species. In addition, the in silico prediction for this alteration is inconclusive. Since supporting evidence is limited at this time, the clinical significance of this alteration remains unclear.

NM_177438.3(DICER1):c.2882C>T (p.Pro961Leu)

Gene: DICER1 (dicer 1, ribonuclease III; minus strand). Cytogenetic location: 14q32.13.
Variant type: single nucleotide variant.
Coding change: c.2882C>T on transcript NM_177438.3 (MANE Select); coding-DNA position 2882, C replaced by T.
Protein change: p.Pro961Leu; replaces proline 961 with leucine.
Molecular consequence: missense variant. On other transcripts: non-coding transcript variant (6).
Genome position (GRCh38, 1-based): chr14:95,106,146, G>A on the plus strand (C>T on the coding strand, the complement: DICER1 is on the minus strand). VCF-style: chr14-95106146-G-A. GRCh37 (hg19) VCF-style: chr14-95572483-G-A.
Other names: c.2882C>T, p.Pro961Leu (NM_001195573.1, NM_001271282.3, NM_001291628.2 and 13 more transcripts); c.2600C>T, p.Pro867Leu (NM_001395686.1); c.2477C>T, p.Pro826Leu (NM_001395687.1, NM_001395688.1, NM_001395689.1 and 2 more transcripts); c.2315C>T, p.Pro772Leu (NM_001395691.1); c.1199C>T, p.Pro400Leu (NM_001395697.1); short protein forms P400L, P772L, P826L, P867L, P961L.
Identifiers: ClinVar variation 1797191 (VCV001797191.2), dbSNP rs2139999837, ClinGen allele CA390879036.